The following is an entry in ClinVar:

ClinVar aggregate classification (germline): Conflicting classifications of pathogenicity. Review status: criteria provided, conflicting classifications (1 of 4 stars). 10 submissions from 10 submitters: Pathogenic (3); Likely pathogenic (3); Uncertain significance (1). 3 of the submissions do not count toward it. Last evaluated 2025-11-12.

Conditions:
Marfan Syndrome/Loeys-Dietz Syndrome/Familial Thoracic Aortic Aneurysms and Dissections. Identifiers: MedGen CN229799.
Marfan syndrome (MFS). Also called: MARFAN SYNDROME, TYPE I; FBN1-Related Marfan Syndrome; Marfan syndrome type 1; Marfan's syndrome; Marfan syndrome, classic. Identifiers: Orphanet 284963, Orphanet 558, MedGen C0024796, MONDO:0007947, OMIM 154700.
Familial thoracic aortic aneurysm and aortic dissection (TAAD). Also called: Thoracic aortic aneurysms and dissections. Identifiers: Orphanet 91387, MedGen C4707243, MONDO:0019625.

Submissions (10):

Labcorp Genetics (formerly Invitae), Labcorp
Classification: Pathogenic for Marfan syndrome; Familial thoracic aortic aneurysm and aortic dissection. Last evaluated: 2025-11-12. Review status: criteria provided, single submitter. Criteria: Invitae Variant Classification Sherloc (09022015). Collection method: clinical testing. Allele origin: germline.
Comment: This sequence change falls in intron 56 of the FBN1 gene. It does not directly change the encoded amino acid sequence of the FBN1 protein. This variant is not present in population databases (gnomAD no frequency). This variant has been observed in individual(s) with clinical features of Marfan syndrome (PMID: 25907466, 29510914; internal data). In at least one individual the variant was observed to be de novo. ClinVar contains an entry for this variant (Variation ID: 418201). Algorithms developed to predict the effect of sequence changes on RNA splicing suggest that this variant may disrupt the consensus splice site. For these reasons, this variant has been classified as Pathogenic.

Genomic Medicine Center of Excellence, King Faisal Specialist Hospital and Research Centre
Classification: Pathogenic for Marfan syndrome. Last evaluated: 2025-09-10. Review status: criteria provided, single submitter. Criteria: ACMG Guidelines, 2015. Collection method: clinical testing. Allele origin: germline.

Women's Health and Genetics/Laboratory Corporation of America, LabCorp
Classification: Likely pathogenic for Marfan Syndrome/Loeys-Dietz Syndrome/Familial Thoracic Aortic Aneurysms and Dissections. Last evaluated: 2024-09-23. Review status: criteria provided, single submitter. Criteria: LabCorp Variant Classification Summary - May 2015. Collection method: clinical testing. Allele origin: germline.
Comment: Variant summary: FBN1 c.6872-14A>G alters a nucleotide located at a position not widely known to affect splicing. Several computational tools predict a significant impact on normal splicing: Two predict the variant weakens a 3' acceptor site. Four predict the variant creates a 3' acceptor site. However, these predictions have yet to be confirmed by functional studies. The variant was absent in 251228 control chromosomes. c.6872-14A>G has been reported in the literature in individuals affected with Marfan Syndrome (Muino-Mosquera_2018, Proost_2015, Meester_2022) including a de novo occurrence. These data indicate that the variant is likely to be associated with disease. To our knowledge, no experimental evidence demonstrating an impact on protein function has been reported. The following publications have been ascertained in the context of this evaluation (PMID: 29510914, 35058154, 25907466, 29875124). ClinVar contains an entry for this variant (Variation ID: 418201). Based on the evidence outlined above, the variant was classified as likely pathogenic.

GeneDx
Classification: Likely pathogenic. Last evaluated: 2024-05-29. Review status: criteria provided, single submitter. Criteria: GeneDx Variant Classification Process June 2021. Collection method: clinical testing. Allele origin: germline. Affected: yes.
Comment: Not observed at significant frequency in large population cohorts (gnomAD); In silico analysis supports a deleterious effect on splicing; This variant is associated with the following publications: (PMID: 29510914, 35058154, 25907466)

Molecular Genetics, Royal Melbourne Hospital
Classification: Likely pathogenic for Marfan syndrome. Last evaluated: 2023-03-30. Review status: criteria provided, single submitter. Criteria: ACMG Guidelines, 2015. Collection method: clinical testing. Allele origin: germline. Affected: yes.
Comment: This sequence change in FBN1 is an intronic variant located in intron 56. This variant is absent from gnomAD v2.1 and v3.1. This variant has been reported in at least two probands with a clinical diagnosis of Marfan syndrome and a proband with thoracic aortic aneurysm and aortic dissection (PMID: 25907466, 29510914; Royal Melbourne Hospital). It has also been identified as a de novo occurrence with unconfirmed parental relationships in an individual with Marfan syndrome (SCV000787274.1). The results from multiple in silico splicing predictors (SpliceAI, MaxEntScan, NNSplice) indicate that this variant may impact splicing by disrupting the acceptor splice site of intron 56 of FBN1 by gain of a de novo acceptor site upstream. This prediction is confirmed by RT-PCR of patient RNA. The assay demonstrated that the variant impacts splicing by use of a cryptic acceptor (unable to determine if complete/partial mis-splicing) within intron 56 (r.6871_6872ins[6872-13_6872-1]) resulting in a frameshift (p.Asp2291Valfs*6; RNA Diagnostics Kid's Neuroscience Centre) leading to nonsense-mediated decay in a gene in which loss-of-function is an established disease mechanism. Based on the classification scheme RMH Modified ACMG Guidelines v1.5.1, this variant is classified as a LIKELY PATHOGENIC. Following criteria are met: PS3_Moderate, PS4_Moderate, PM2_Supporting, PM6_Supporting, PP3.

Centre of Medical Genetics, University of Antwerp
Classification: Uncertain significance for Marfan syndrome. Last evaluated: 2021-03-01. Review status: criteria provided, single submitter. Criteria: Submitter's publication. Collection method: research. Allele origin: unknown. Affected: yes. Observed: 2 variant alleles.
Comment: PM2, PP3, PP1, PP4

Ambry Genetics
Classification: Pathogenic for Familial thoracic aortic aneurysm and aortic dissection. Last evaluated: 2018-09-26. Review status: criteria provided, single submitter. Criteria: Ambry Variant Classification Scheme 2023. Collection method: clinical testing. Allele origin: germline.
Comment: The c.6872-14A>G intronic pathogenic mutation results from an A to G substitution 14 nucleotides upstream from coding exon 56 in the FBN1 gene. This alteration has been detected in multiple patients with Marfan syndrome (MFS) or MFS-related phenotypes and was reported to be de novo in one individual, although paternity was not confirmed (Proost D et al. Hum. Mutat., 2015 Aug;36:808-14; Hicks KL et al. J. Vasc. Surg., 2018 09;68:701-711; Mui&ntilde;o-Mosquera L et al. Circ Genom Precis Med, 2018 Jun;11:e002039). In addition, this alteration co-segregated with disease in one family tested in our laboratory (Ambry internal data, GeneDx pers. comm.). RNA studies have demonstrated that this mutation creates a new splice acceptor site that is utilized in all transcripts derived from the G allele, resulting in the inclusion of 13 intronic nucleotides and a frameshift (U. Schwarze and P. Byers, Collagen Diagnostic Laboratory, University of Washington, pers. comm.). Based on the supporting evidence, this alteration is interpreted as a disease-causing mutation.

Department of Laboratory Medicine and Genetics, Samsung Medical Center
Classification: Likely pathogenic for Marfan syndrome. Last evaluated: 2025-01-02. Review status: no assertion criteria provided. Collection method: clinical testing. Allele origin: germline. Not counted in ClinVar's aggregate classification.
Comment: The NM_000138.5:c.6872-14A>G is considered to be rare in the general population database (gnomAD v2.1.1). This variant is predicted to be deleterious by in-silico analysis (SpliceAI). This variant was found in a patient with Marfan syndrome meeting revised Ghent criteria and considered as de novo variant (PMID: 25907466; 29875124; 35058154). According to the ClinGen guidance for PP1/BS4 and PP4 criteria (PMID: 38103548), PP4 with weighted strength was applied. In summary, this variant was classified as a likely pathogenic variant for Marfan syndrome (PP3, PP4 with weighted strength, PS4_P, PM2_P, PM6_P).

Mayo Clinic Laboratories, Mayo Clinic
Classification: Uncertain significance. Last evaluated: 2019-12-27. Review status: flagged submission. Criteria: ACMG Guidelines, 2015. Collection method: clinical testing. Allele origin: germline. Observed: 1 variant allele. Not counted in ClinVar's aggregate classification.
ClinVar note: Reason: Outlier claim with insufficient supporting evidence

Center for Medical Genetics Ghent, University of Ghent
Classification: Uncertain significance for Marfan syndrome. Last evaluated: 2017-11-07. Review status: flagged submission. Collection method: clinical testing. Allele origin: de novo. Affected: yes. Not counted in ClinVar's aggregate classification.
ClinVar note: Reason: Outlier claim with insufficient supporting evidence

Literature cited by the submitters: PubMed 25907466 (cited by 5 submitters); PubMed 29510914 (cited by 5 submitters); PubMed 29875124 (cited by 3 submitters); PubMed 35058154 (cited by Women's Health and Genetics/Laboratory Corporation of America, LabCorp and Department of Laboratory Medicine and Genetics, Samsung Medical Center); PubMed 37558401 (cited by Department of Laboratory Medicine and Genetics, Samsung Medical Center); PubMed 37840311 (cited by Department of Laboratory Medicine and Genetics, Samsung Medical Center).

NM_000138.5(FBN1):c.6872-14A>G

Gene: FBN1 (fibrillin 1; minus strand). Cytogenetic location: 15q21.1.
Variant type: single nucleotide variant.
Coding change: c.6872-14A>G on transcript NM_000138.5 (MANE Select); 14 bases into the intron before coding-DNA position 6872, A replaced by G.
Molecular consequence: intron variant.
Genome position (GRCh38, 1-based): chr15:48,428,485, T>C on the plus strand (A>G on the coding strand, the complement: FBN1 is on the minus strand). VCF-style: chr15-48428485-T-C. GRCh37 (hg19) VCF-style: chr15-48720682-T-C.
Identifiers: ClinVar variation 418201 (VCV000418201.40), dbSNP rs1064793119, ClinGen allele CA16619942.
Genomic context (GRCh38, chr15:48,428,485, plus strand): 5'-GCGCCCATTCTCACAGATCCCTGGCTTCGTCTGACATTCATTCTCATCTGTTTGATTTTA[T>C]TGAAGGACCAAAAACAAGAAGAGTCATCTGACCATTTTATAGAGGATGGAGCTCCTTCCT-3'